The following is an entry in ClinVar:

ClinVar aggregate classification (germline): Likely pathogenic (1 of 4 stars; one submission).

Submission:

GeneDx
Classification: Likely pathogenic. Last evaluated: 2018-04-16. Review status: criteria provided, single submitter. Criteria: GeneDx Variant Classification (06012015). Collection method: clinical testing. Allele origin: germline. Affected: yes.
Comment: The c.5423delA variant in the ASXL3 gene has not been reported previously as a pathogenic variant nor as a benign variant, to our knowledge. The c.5423delA variant causes a frameshift starting with codon Lysine 1808, changes this amino acid to an Arginine residue, and creates a premature Stop codon at position 13 of the new reading frame, denoted p.Lys1808ArgfsX13. This variant is predicted to cause loss of normal protein function through protein truncation. The c.5423delA variant is not observed in large population cohorts (Lek et al., 2016). We interpret c.5423delA as a likely pathogenic variant.

NM_030632.3(ASXL3):c.5423del (p.Lys1808fs)

Gene: ASXL3 (ASXL transcriptional regulator 3; plus strand). Cytogenetic location: 18q12.1.
Variant type: Deletion.
Coding change: c.5423del on transcript NM_030632.3 (MANE Select); coding-DNA position 5423, one base deleted (A; older notation c.5423delA).
Protein change: p.Lys1808fs; shifts the reading frame from lysine 1808.
Molecular consequence: frameshift variant.
Genome position (GRCh38, 1-based): chr18:33,745,271, A deleted; the last of 2 consecutive A bases (chr18:33,745,270-33,745,271); deleting either gives the same sequence. VCF-style (leftmost placement, unchanged base first): chr18-33745269-TA-T. GRCh37 (hg19) VCF-style: chr18-31325233-TA-T.
Other names: short protein forms K1808fs.
Identifiers: ClinVar variation 524069 (VCV000524069.2), dbSNP rs1555744989, ClinGen allele CA658799036.